The following is an entry in ClinVar:

NM_001035.3(RYR2):c.11003T>A (p.Ile3668Asn)

Gene: RYR2 (ryanodine receptor 2; plus strand). Cytogenetic location: 1q43.
Variant type: single nucleotide variant.
Coding change: c.11003T>A on transcript NM_001035.3 (MANE Select); coding-DNA position 11003, T replaced by A.
Protein change: p.Ile3668Asn; replaces isoleucine 3668 with asparagine.
Molecular consequence: missense variant.
Genome position (GRCh38, 1-based): chr1:237,732,113, T>A. VCF-style: chr1-237732113-T-A. GRCh37 (hg19) VCF-style: chr1-237895413-T-A.
Other names: c.11003T>A, p.Ile3668Asn (LRG_402t1); short protein forms I3668N.
Identifiers: ClinVar variation 652869 (VCV000652869.10), dbSNP rs1573718675, ClinGen allele CA345419051.

ClinVar aggregate classification (germline): Uncertain significance (1 of 4 stars; one submission).

Conditions:
Catecholaminergic polymorphic ventricular tachycardia 1. Also called: RYR2-Related Catecholaminergic Polymorphic Ventricular Tachycardia; VENTRICULAR TACHYCARDIA, STRESS-INDUCED POLYMORPHIC 1; VENTRICULAR TACHYCARDIA, CATECHOLAMINERGIC POLYMORPHIC, 1, WITH OR WITHOUT ATRIAL DYSFUNCTION AND/OR DILATED CARDIOMYOPATHY. Identifiers: Orphanet 3286, MedGen C1631597, MONDO:0011484, OMIM 604772.

Submission:

Labcorp Genetics (formerly Invitae), Labcorp
Classification: Uncertain significance for Catecholaminergic polymorphic ventricular tachycardia 1. Last evaluated: 2018-11-27. Review status: criteria provided, single submitter. Criteria: Invitae Variant Classification Sherloc (09022015). Collection method: clinical testing. Allele origin: germline.
Comment: Algorithms developed to predict the effect of missense changes on protein structure and function (SIFT, PolyPhen-2, Align-GVGD) all suggest that this variant is likely to be disruptive, but these predictions have not been confirmed by published functional studies and their clinical significance is uncertain. This variant is not present in population databases (ExAC no frequency). This sequence change replaces isoleucine with asparagine at codon 3668 of the RYR2 protein (p.Ile3668Asn). The isoleucine residue is highly conserved and there is a large physicochemical difference between isoleucine and asparagine. This variant has not been reported in the literature in individuals with RYR2-related conditions. In summary, the available evidence is currently insufficient to determine the role of this variant in disease. Therefore, it has been classified as a Variant of Uncertain Significance.